The following is an entry in ClinVar:

NM_004006.3(DMD):c.8632T>A (p.Leu2878Met)

Gene: DMD (dystrophin; minus strand). Cytogenetic location: Xp21.2.
Variant type: single nucleotide variant.
Coding change: c.8632T>A on transcript NM_004006.3 (MANE Select); coding-DNA position 8632, T replaced by A.
Protein change: p.Leu2878Met; replaces leucine 2878 with methionine.
Molecular consequence: missense variant.
Genome position (GRCh38, 1-based): chrX:31,479,019, A>T on the plus strand (T>A on the coding strand, the complement: DMD is on the minus strand). VCF-style: chrX-31479019-A-T. GRCh37 (hg19) VCF-style: chrX-31497136-A-T.
Other names: c.8608T>A, p.Leu2870Met (NM_000109.4); c.8620T>A, p.Leu2874Met (NM_004009.3); c.8263T>A, p.Leu2755Met (NM_004010.3); c.4609T>A, p.Leu1537Met (NM_004011.4); c.4600T>A, p.Leu1534Met (NM_004012.4); c.1252T>A, p.Leu418Met (NM_004013.3, NM_004020.4, NM_004021.3 and 2 more transcripts); c.445T>A, p.Leu149Met (NM_004014.3); short protein forms L1534M, L149M, L1537M, L2755M, L2874M, L418M, L2870M, L2878M.
Identifiers: ClinVar variation 2732785 (VCV002732785.3), dbSNP rs1282245736, ClinGen allele CA412654505.
Genomic context (GRCh38, chrX:31,479,019, plus strand): 5'-TATTATAGTTCCACATTCAATTACCTCTGGGCTCCTGGTAGAGTTTCTCTAGTCCTTCCA[A>T]AGGCTGCTCTGTCAGAAATATTCGTACAGTCTCAAGAGTACTCATGATTACAGGTTCTTT-3'
Protein context (NP_003997.2, residues 2868-2888): TVRIFLTEQP[Leu2878Met]EGLEKLYQEP

ClinVar aggregate classification (germline): Uncertain significance (1 of 4 stars; one submission).

Conditions:
Duchenne muscular dystrophy (DMD). Also called: MUSCULAR DYSTROPHY, PSEUDOHYPERTROPHIC PROGRESSIVE, DUCHENNE TYPE; Duchenne Muscular Dystrophy (DMD). Identifiers: Orphanet 98896, MedGen C0013264, MONDO:0010679, OMIM 310200.

gnomAD v4.1: 1 of 1,209,963 alleles (0.000083%); highest among the groups gnomAD compares: East Asian, 0.003%; no homozygotes.

Submission:

Labcorp Genetics (formerly Invitae), Labcorp
Classification: Uncertain significance for Duchenne muscular dystrophy. Last evaluated: 2025-12-14. Review status: criteria provided, single submitter. Criteria: Invitae Variant Classification Sherloc (09022015). Collection method: clinical testing. Allele origin: germline.
Comment: This sequence change replaces leucine, which is neutral and non-polar, with methionine, which is neutral and non-polar, at codon 2878 of the DMD protein (p.Leu2878Met). This variant is present in population databases (no rsID available, gnomAD 0.02%). This variant has not been reported in the literature in individuals affected with DMD-related conditions. ClinVar contains an entry for this variant (Variation ID: 2732785). Invitae Evidence Modeling of protein sequence and biophysical properties (such as structural, functional, and spatial information, amino acid conservation, physicochemical variation, residue mobility, and thermodynamic stability) indicates that this missense variant is not expected to disrupt DMD protein function with a negative predictive value of 95%. In summary, the available evidence is currently insufficient to determine the role of this variant in disease. Therefore, it has been classified as a Variant of Uncertain Significance.